The following is an entry in ClinVar:

NM_020879.3(CCDC146):c.936C>T (p.Val312=)

Gene: CCDC146 (coiled-coil domain containing 146; plus strand). Cytogenetic location: 7q11.23.
Variant type: single nucleotide variant.
Coding change: c.936C>T on transcript NM_020879.3 (MANE Select); coding-DNA position 936, C replaced by T.
Protein change: p.Val312=; no amino-acid change (valine 312 retained).
Molecular consequence: synonymous variant.
Genome position (GRCh38, 1-based): chr7:77,260,186, C>T. VCF-style: chr7-77260186-C-T. GRCh37 (hg19) VCF-style: chr7-76889503-C-T.
Identifiers: ClinVar variation 2657630 (VCV002657630.24), dbSNP rs374348160, ClinGen allele CA4309672.
Genomic context (GRCh38, chr7:77,260,186, plus strand): 5'-GGAAGTTGAAGGCAAACGAGCCTTACTTGAAATCAAAGAACGAGAACATAACCAATTGGT[C>T]AAGCTATTGGAATTAGCCAGAGAGAATGAAGCAACTTCATTAACTGAAAGGTTAGTTATA-3'
Protein context (NP_065930.2, residues 302-322): EIKEREHNQL[Val312=]KLLELARENE

ClinVar aggregate classification (germline): Likely benign (1 of 4 stars; one submission).

Allele frequency attached by ClinVar (database versions not stated): TOPMed 0.00007; ESP Exome Variant Server 0.00008; gnomAD 0.00008; ExAC 0.00010; gnomAD exomes 0.00010.
gnomAD v4.1: 163 of 1,613,722 alleles (0.01%); highest among the groups gnomAD compares: Non-Finnish European, 0.013%; no homozygotes.

Submission:

CeGaT Center for Human Genetics Tuebingen
Classification: Likely benign. Last evaluated: 2023-02-01. Review status: criteria provided, single submitter. Criteria: CeGaT Center For Human Genetics Tuebingen Variant Classification Criteria Version 2. Collection method: clinical testing. Allele origin: germline. Affected: yes. Observed: 1 variant allele.
Comment: CCDC146: BP4, BP7